The following is an entry in ClinVar:

NM_001558.4(IL10RA):c.1087_1095del (p.Gly363_Ser365del)

Gene: IL10RA (interleukin 10 receptor subunit alpha; plus strand). Cytogenetic location: 11q23.3.
Variant type: Deletion.
Coding change: c.1087_1095del on transcript NM_001558.4 (MANE Select); coding-DNA positions 1087 to 1095, 9 bases deleted (GGCAGCAGC; older notation c.1087_1095delGGCAGCAGC).
Protein change: p.Gly363_Ser365del.
Molecular consequence: inframe deletion. On other transcripts: non-coding transcript variant (1).
Genome position (GRCh38, 1-based): chr11:117,998,991-117,998,999, GGCAGCAGC deleted. VCF-style (leftmost placement, unchanged base first): chr11-117998990-TGGCAGCAGC-T. GRCh37 (hg19) VCF-style: chr11-117869705-TGGCAGCAGC-T.
Other names: c.1087_1095delGGCAGCAGC (NM_001558.3).
Identifiers: ClinVar variation 571899 (VCV000571899.9), dbSNP rs56384274, ClinGen allele CA6299117.

ClinVar aggregate classification (germline): Uncertain significance. Review status: criteria provided, multiple submitters, no conflicts (2 of 4 stars). 2 submissions from 2 submitters: Uncertain significance (2). Last evaluated 2026-01-26.

Conditions:
Inflammatory bowel disease 28. Also called: Inflammatory bowel disease 28, early onset, autosomal recessive. Identifiers: Orphanet 238569, MedGen C2751053, MONDO:0013153, OMIM 613148.

Allele frequency attached by ClinVar (database versions not stated): ExAC 0.00012; TOPMed 0.00014; 1000 Genomes Project 0.00080; 1000 Genomes Project 30x 0.00094; gnomAD 0.00006 and 0.00008; gnomAD exomes 0.00008 and 0.00010.

Submissions (2):

Labcorp Genetics (formerly Invitae), Labcorp
Classification: Uncertain significance for Inflammatory bowel disease 28. Last evaluated: 2026-01-26. Review status: criteria provided, single submitter. Criteria: Invitae Variant Classification Sherloc (09022015). Collection method: clinical testing. Allele origin: germline.
Comment: This variant, c.1087_1095del, results in the deletion of 3 amino acid(s) of the IL10RA protein (p.Gly363_Ser365del), but otherwise preserves the integrity of the reading frame. This variant is present in population databases (rs56384274, gnomAD 0.04%). This variant has not been reported in the literature in individuals affected with IL10RA-related conditions. ClinVar contains an entry for this variant (Variation ID: 571899). Experimental studies and prediction algorithms are not available or were not evaluated, and the functional significance of this variant is currently unknown. In summary, the available evidence is currently insufficient to determine the role of this variant in disease. Therefore, it has been classified as a Variant of Uncertain Significance.

Blueprint Genetics
Classification: Uncertain significance. Last evaluated: 2021-04-13. Review status: criteria provided, single submitter. Criteria: ACMG Guidelines, 2015. Collection method: clinical testing. Allele origin: germline.